The following is an entry in ClinVar:

ClinVar aggregate classification (germline): Uncertain significance (1 of 4 stars; one submission).

Conditions:
Cardiovascular phenotype. Identifiers: MedGen CN230736.

Allele frequency attached by ClinVar (database versions not stated): gnomAD exomes below 0.00001; gnomAD 0.00001; TOPMed 0.00001.
gnomAD v4.1: 6 of 1,611,656 alleles (0.00037%); highest among the groups gnomAD compares: Non-Finnish European, 0.00051%; no homozygotes.

Submission:

Ambry Genetics
Classification: Uncertain significance for Cardiovascular phenotype. Last evaluated: 2022-12-11. Review status: criteria provided, single submitter. Criteria: Ambry Variant Classification Scheme 2023. Collection method: clinical testing. Allele origin: germline.
Comment: The p.N53D variant (also known as c.157A>G), located in coding exon 2 of the ABCG8 gene, results from an A to G substitution at nucleotide position 157. The asparagine at codon 53 is replaced by aspartic acid, an amino acid with highly similar properties. This amino acid position is conserved. In addition, this alteration is predicted to be tolerated by in silico analysis. Since supporting evidence is limited at this time, the clinical significance of this alteration remains unclear.

NM_022437.3(ABCG8):c.157A>G (p.Asn53Asp)

Gene: ABCG8 (ATP binding cassette subfamily G member 8; plus strand). Cytogenetic location: 2p21.
Variant type: single nucleotide variant.
Coding change: c.157A>G on transcript NM_022437.3 (MANE Select); coding-DNA position 157, A replaced by G.
Protein change: p.Asn53Asp; replaces asparagine 53 with aspartic acid.
Molecular consequence: missense variant.
Genome position (GRCh38, 1-based): chr2:43,844,600, A>G. VCF-style: chr2-43844600-A-G. GRCh37 (hg19) VCF-style: chr2-44071739-A-G.
Other names: c.157A>G, p.Asn53Asp (NM_001357321.2); short protein forms N53D.
Identifiers: ClinVar variation 2450765 (VCV002450765.2), dbSNP rs1378746605, ClinGen allele CA346663345.
Genomic context (GRCh38, chr2:43,844,600, plus strand): 5'-GACAACAGCCTGTACTTCACCTACAGTGGCCAGCCCAACACCCTGGAGGTCAGAGACCTC[A>G]ACTACCAGGTAGAGGCACGCCTGGGTTCAAGGGGAGAGGAGCAGGCAGGGACAGCCAGGA-3'
Protein context (NP_071882.1, residues 43-63): QPNTLEVRDL[Asn53Asp]YQVDLASQVP